The following is an entry in ClinVar:

ClinVar aggregate classification (germline): Uncertain significance. Review status: criteria provided, multiple submitters, no conflicts (2 of 4 stars). 2 submissions from 2 submitters: Uncertain significance (2). Last evaluated 2025-04-24.

Conditions:
Inborn genetic diseases. Identifiers: MedGen C0950123, MeSH D030342.

Allele frequency attached by ClinVar (database versions not stated): gnomAD 0.00001; TOPMed 0.00001; gnomAD exomes 0.00004.
gnomAD v4.1: 58 of 1,613,164 alleles (0.0036%); highest among the groups gnomAD compares: Non-Finnish European, 0.0046%; no homozygotes.

Submissions (2):

Ambry Genetics
Classification: Uncertain significance for Inborn genetic diseases. Last evaluated: 2025-04-24. Review status: criteria provided, single submitter. Criteria: Ambry Variant Classification Scheme 2023. Collection method: clinical testing. Allele origin: germline.

GeneDx
Classification: Uncertain significance. Last evaluated: 2025-02-20. Review status: criteria provided, single submitter. Criteria: GeneDx Variant Classification Process June 2021. Collection method: clinical testing. Allele origin: germline. Affected: yes.
Comment: Not observed at significant frequency in large population cohorts (gnomAD); In silico analysis supports that this missense variant has a deleterious effect on protein structure/function; Has not been previously published as pathogenic or benign to our knowledge

NM_000293.3(PHKB):c.1643G>A (p.Gly548Glu)

Gene: PHKB (phosphorylase kinase regulatory subunit beta; plus strand). Cytogenetic location: 16q12.1.
Variant type: single nucleotide variant.
Coding change: c.1643G>A on transcript NM_000293.3 (MANE Select); coding-DNA position 1643, G replaced by A.
Protein change: p.Gly548Glu; replaces glycine 548 with glutamic acid.
Molecular consequence: missense variant.
Genome position (GRCh38, 1-based): chr16:47,648,567, G>A. VCF-style: chr16-47648567-G-A. GRCh37 (hg19) VCF-style: chr16-47682478-G-A.
Other names: c.1622G>A, p.Gly541Glu (NM_001031835.3); c.1643G>A, p.Gly548Glu (NM_001363837.1); short protein forms G548E, G541E.
Identifiers: ClinVar variation 2266524 (VCV002266524.4), dbSNP rs890608375, ClinGen allele CA280208863.